The following is an entry in ClinVar:

ClinVar aggregate classification (germline): Uncertain significance (0 of 4 stars; one submission).

Conditions:
DPF2-related disorder. Also called: DPF2-related condition.

gnomAD v4.1: 2 of 1,613,786 alleles (0.00012%); highest among the groups gnomAD compares: Non-Finnish European, 0.00017%; no homozygotes.

Submission:

PreventionGenetics, part of Exact Sciences
Classification: Uncertain significance for DPF2-related condition. Last evaluated: 2024-03-25. Review status: no assertion criteria provided. Collection method: clinical testing. Allele origin: germline.
Comment: The DPF2 c.37G>A variant is predicted to result in the amino acid substitution p.Gly13Arg. To our knowledge, this variant has not been reported in the literature. This variant is reported in 0.00088% of alleles in individuals of European (Non-Finnish) descent in gnomAD. At this time, the clinical significance of this variant is uncertain due to the absence of conclusive functional and genetic evidence.

NM_006268.5(DPF2):c.37G>A (p.Gly13Arg)

Gene: DPF2 (double PHD fingers 2; plus strand). Cytogenetic location: 11q13.1.
Variant type: single nucleotide variant.
Coding change: c.37G>A on transcript NM_006268.5 (MANE Select); coding-DNA position 37, G replaced by A.
Protein change: p.Gly13Arg; replaces glycine 13 with arginine.
Molecular consequence: missense variant.
Genome position (GRCh38, 1-based): chr11:65,340,389, G>A. VCF-style: chr11-65340389-G-A. GRCh37 (hg19) VCF-style: chr11-65107860-G-A.
Other names: c.37G>A, p.Gly13Arg (NM_001330308.2); short protein forms G13R.
Identifiers: ClinVar variation 3351668 (VCV003351668.1).